The following is an entry in ClinVar:

ClinVar aggregate classification (germline): Uncertain significance (1 of 4 stars; one submission).

Conditions:
Hereditary cancer-predisposing syndrome. Also called: Neoplastic Syndromes, Hereditary; Tumor predisposition; Hereditary neoplastic syndrome; Hereditary Cancer Syndrome. Identifiers: Orphanet 140162, MedGen C0027672, MeSH D009386, MONDO:0015356.

Submission:

Ambry Genetics
Classification: Uncertain significance for Hereditary cancer-predisposing syndrome. Last evaluated: 2026-08-10. Review status: criteria provided, single submitter. Criteria: Ambry Variant Classification Scheme 2023. Collection method: clinical testing. Allele origin: germline.
Comment: The p.L204Q variant (also known as c.611T>A), located in coding exon 5 of the APC gene, results from a T to A substitution at nucleotide position 611. The leucine at codon 204 is replaced by glutamine, an amino acid with dissimilar properties. This amino acid position is conserved. In addition, in silico predictors for this gene do not accurately predict pathogenicity. Based on the available evidence, the clinical significance of this variant remains unclear.

NM_000038.6(APC):c.611T>A (p.Leu204Gln)

Gene: APC (APC regulator of Wnt signaling pathway; plus strand). Cytogenetic location: 5q22.2.
Variant type: single nucleotide variant.
Coding change: c.611T>A on transcript NM_000038.6 (MANE Select); coding-DNA position 611, T replaced by A.
Protein change: p.Leu204Gln; replaces leucine 204 with glutamine.
Molecular consequence: missense variant. On other transcripts: 5 prime UTR variant (4), non-coding transcript variant (2).
Genome position (GRCh38, 1-based): chr5:112,780,869, T>A. VCF-style: chr5-112780869-T-A. GRCh37 (hg19) VCF-style: chr5-112116566-T-A.
Other names: c.611T>A, p.Leu204Gln (NM_001127510.3, NM_001354895.2, NM_001354896.2 and 16 more transcripts); c.641T>A, p.Leu214Gln (NM_001127511.3, NM_001354897.2, NM_001354902.2 and 1 more transcripts); c.536T>A, p.Leu179Gln (NM_001354898.2, NM_001354904.2, NM_001407451.1); c.434T>A, p.Leu145Gln (NM_001354900.2, NM_001354901.2, NM_001354905.2 and 1 more transcripts); c.-425T>A (NM_001354906.2, NM_001407470.1, NM_001407471.1 and 1 more transcripts); short protein forms L145Q, L214Q, L204Q, L179Q.
Identifiers: ClinVar variation 5025733 (VCV005025733.1).